The following is an entry in ClinVar:

NM_006493.4(CLN5):c.-94A>T

Gene: CLN5 (CLN5 lysosomal BMP synthase; plus strand). Cytogenetic location: 13q22.3.
Variant type: single nucleotide variant.
Coding change: c.-94A>T on transcript NM_006493.4 (MANE Select); 94 bases upstream of the start codon, A replaced by T.
Genome position (GRCh38, 1-based): chr13:76,992,005, A>T. VCF-style: chr13-76992005-A-T. GRCh37 (hg19) VCF-style: chr13-77566140-A-T.
Identifiers: ClinVar variation 835320 (VCV000835320.7), dbSNP rs767480061, ClinGen allele CA7007085.

ClinVar aggregate classification (germline): Uncertain significance. Review status: criteria provided, multiple submitters, no conflicts (2 of 4 stars). 3 submissions from 3 submitters: Uncertain significance (2). 1 of the submissions does not count toward it. Last evaluated 2025-07-09.

Conditions:
Neuronal ceroid lipofuscinosis 5 (CLN5). Also called: CLN5-Related Neuronal Ceroid-Lipofuscinosis; CEROID LIPOFUSCINOSIS, NEURONAL, 5, VARIABLE AGE AT ONSET; Neuronal ceroid lipofuscinosis Finnish variant; NEURONAL CEROID LIPOFUSCINOSIS, LATE INFANTILE, FINNISH VARIANT. Identifiers: Orphanet 168491, Orphanet 228360, MedGen C1850442, MONDO:0009745, OMIM 256731.
Inborn genetic diseases. Identifiers: MedGen C0950123, MeSH D030342.
Neuronal ceroid lipofuscinosis. Also called: Neuronal Ceroid Lipofuscinoses. Identifiers: Orphanet 216, Orphanet 79263, MedGen C0027877, MONDO:0016295. Disease mechanism: loss of function.

Submissions (3):

Labcorp Genetics (formerly Invitae), Labcorp
Classification: Uncertain significance for Neuronal ceroid lipofuscinosis. Last evaluated: 2025-07-09. Review status: criteria provided, single submitter. Criteria: Invitae Variant Classification Sherloc (09022015). Collection method: clinical testing. Allele origin: germline.
Comment: This sequence change replaces glutamine, which is neutral and polar, with histidine, which is basic and polar, at codon 18 of the CLN5 protein (p.Gln18His). This variant is present in population databases (rs767480061, gnomAD 0.008%). This variant has not been reported in the literature in individuals affected with CLN5-related conditions. ClinVar contains an entry for this variant (Variation ID: 835320). An algorithm developed to predict the effect of missense changes on protein structure and function (PolyPhen-2) suggests that this variant is likely to be tolerated. In summary, the available evidence is currently insufficient to determine the role of this variant in disease. Therefore, it has been classified as a Variant of Uncertain Significance.

Ambry Genetics
Classification: Uncertain significance for Inborn genetic diseases. Last evaluated: 2024-11-10. Review status: criteria provided, single submitter. Criteria: Ambry Variant Classification Scheme 2023. Collection method: clinical testing. Allele origin: germline.

Natera, Inc.
Classification: Uncertain significance for Neuronal ceroid lipofuscinosis 5. Last evaluated: 2020-09-16. Review status: no assertion criteria provided. Collection method: clinical testing. Allele origin: germline. Not counted in ClinVar's aggregate classification.